The following is an entry in ClinVar:

NM_020297.4(ABCC9):c.*1918A>G

Genes: ABCC9 (ATP binding cassette subfamily C member 9; minus strand), KCNJ8-AS1 (KCNJ8 antisense RNA 1; plus strand). Cytogenetic location: 12p12.1.
Variant type: single nucleotide variant.
Coding change: c.*1918A>G on transcript NM_020297.4 (MANE Select); 1918 bases downstream of the stop codon, A replaced by G.
Molecular consequence: 3 prime UTR variant.
Genome position (GRCh38, 1-based): chr12:21,799,126, T>C on the plus strand (A>G on the coding strand, the complement: ABCC9 is on the minus strand). VCF-style: chr12-21799126-T-C. GRCh37 (hg19) VCF-style: chr12-21952060-T-C.
Other names: c.*1918A>G (NM_001377273.1, NM_001377274.1); c.*2094A>G (NM_005691.4).
Identifiers: ClinVar variation 3905643 (VCV003905643.10).

ClinVar aggregate classification (germline): Likely benign (1 of 4 stars; one submission).

gnomAD v4.1: 13 of 149,526 alleles (0.0087%); highest among the groups gnomAD compares: South Asian, 0.021%; no homozygotes.

Submission:

CeGaT Center for Human Genetics Tuebingen
Classification: Likely benign. Last evaluated: 2026-02-01. Review status: criteria provided, single submitter. Criteria: CeGaT Center For Human Genetics Tuebingen Variant Classification Criteria Version 2. Collection method: clinical testing. Allele origin: germline. Affected: yes. Observed: 2 variant alleles.
Comment: ABCC9: BP4